The following is an entry in ClinVar:

NM_001197104.2(KMT2A):c.4367A>G (p.His1456Arg)

Gene: KMT2A (lysine methyltransferase 2A; plus strand). Cytogenetic location: 11q23.3.
Variant type: single nucleotide variant.
Coding change: c.4367A>G on transcript NM_001197104.2 (MANE Select); coding-DNA position 4367, A replaced by G.
Protein change: p.His1456Arg; replaces histidine 1456 with arginine.
Molecular consequence: missense variant.
Genome position (GRCh38, 1-based): chr11:118,488,648, A>G. VCF-style: chr11-118488648-A-G. GRCh37 (hg19) VCF-style: chr11-118359363-A-G.
Other names: c.4367A>G, p.His1456Arg (NM_005933.4); short protein forms H1456R.
Identifiers: ClinVar variation 429523 (VCV000429523.3), dbSNP rs1131691433, ClinGen allele CA382831912.

ClinVar aggregate classification (germline): Likely pathogenic. Review status: criteria provided, multiple submitters, no conflicts (2 of 4 stars). 2 submissions from 2 submitters: Likely pathogenic (2). Last evaluated 2019-05-28.

Conditions:
Wiedemann-Steiner syndrome (WDSTS). Also called: Growth deficiency and mental retardation with facial dysmorphism. Identifiers: Orphanet 319182, MedGen C1854630, MONDO:0011518, OMIM 605130.

Submissions (2):

Mendelics
Classification: Likely pathogenic for Wiedemann-Steiner syndrome. Last evaluated: 2019-05-28. Review status: criteria provided, single submitter. Criteria: Mendelics Assertion Criteria 2017. Collection method: clinical testing. Allele origin: unknown.

GeneDx
Classification: Likely pathogenic. Last evaluated: 2015-09-05. Review status: criteria provided, single submitter. Criteria: GeneDx Variant Classification (06012015). Collection method: clinical testing. Allele origin: germline. Affected: yes.
Comment: The H1456R variant in the KMT2A gene has not been published as a pathogenic variant, nor has it been reported as a benign polymorphism to our knowledge. The H1456R variant was not observed in approximately 6500 individuals of European and African American ancestry in the NHLBI Exome Sequencing Project, indicating it is not a common benign variant in these populations. The H1456R variant is a conservative amino acid substitution, which is not likely to impact secondary protein structure as these residues share similar properties. This substitution occurs at a position that is conserved across species. In silico analysis predicts this variant is probably damaging to the protein structure/function. One missense variant in a nearby residue (C1448R) has been reported in the Human Gene Mutation Database in association with atypical Wiedemann-Steiner syndrome (Stenson et al., 2014), supporting the functional importance of this region of the protein. The H1456R variant is a strong candidate for a disease-causing variant however the possibility it may be a rare benign variant cannot be excluded.